The following is an entry in ClinVar:

ClinVar aggregate classification (germline): Pathogenic (1 of 4 stars; one submission).

Conditions:
Spastic paraplegia. Identifiers: MedGen C0037772, HP:0001258.

Submission:

Labcorp Genetics (formerly Invitae), Labcorp
Classification: Pathogenic for Spastic paraplegia. Last evaluated: 2020-07-26. Review status: criteria provided, single submitter. Criteria: Invitae Variant Classification Sherloc (09022015). Collection method: clinical testing. Allele origin: germline.
Comment: For these reasons, this variant has been classified as Pathogenic. Loss-of-function variants in SACS are known to be pathogenic (PMID: 18465152, 20876471). This variant has not been reported in the literature in individuals with SACS-related conditions. This variant is not present in population databases (ExAC no frequency). This sequence change creates a premature translational stop signal (p.Glu519Lysfs*31) in the SACS gene. It is expected to result in an absent or disrupted protein product.

Literature cited by the submitters: PubMed 18465152; PubMed 20876471.

NM_014363.6(SACS):c.1555del (p.Glu519fs)

Gene: SACS (sacsin molecular chaperone; minus strand). Cytogenetic location: 13q12.12.
Variant type: Deletion.
Coding change: c.1555del on transcript NM_014363.6 (MANE Select); coding-DNA position 1555, one base deleted (G; older notation c.1555delG).
Protein change: p.Glu519fs; shifts the reading frame from glutamic acid 519.
Molecular consequence: frameshift variant.
Genome position (GRCh38, 1-based): chr13:23,355,057, C deleted on the plus strand (G on the coding strand, the reverse complement: SACS is on the minus strand); the first of 2 consecutive C bases (chr13:23,355,057-23,355,058); deleting either gives the same sequence. VCF-style (leftmost placement, unchanged base first): chr13-23355056-TC-T. GRCh37 (hg19) VCF-style: chr13-23929195-TC-T.
Other names: c.1114del, p.Glu372fs (NM_001278055.2); short protein forms E372fs, E519fs.
Identifiers: ClinVar variation 1068564 (VCV001068564.7), dbSNP rs2137721150, ClinGen allele CA2499221989.